The following is an entry in ClinVar:

ClinVar aggregate classification (germline): Uncertain significance (1 of 4 stars; one submission).

Submission:

GeneDx
Classification: Uncertain significance. Last evaluated: 2025-07-23. Review status: criteria provided, single submitter. Criteria: GeneDx Variant Classification Process June 2021. Collection method: clinical testing. Allele origin: germline. Affected: yes.
Comment: Not observed at significant frequency in large population cohorts (gnomAD); In silico analysis suggests that this missense variant does not alter protein structure/function; Has not been previously published as pathogenic or benign to our knowledge

NM_030632.3(ASXL3):c.4361A>C (p.Gln1454Pro)

Gene: ASXL3 (ASXL transcriptional regulator 3; plus strand). Cytogenetic location: 18q12.1.
Variant type: single nucleotide variant.
Coding change: c.4361A>C on transcript NM_030632.3 (MANE Select); coding-DNA position 4361, A replaced by C.
Protein change: p.Gln1454Pro; replaces glutamine 1454 with proline.
Molecular consequence: missense variant.
Genome position (GRCh38, 1-based): chr18:33,744,209, A>C. VCF-style: chr18-33744209-A-C. GRCh37 (hg19) VCF-style: chr18-31324173-A-C.
Other names: short protein forms Q1454P.
Identifiers: ClinVar variation 4687050 (VCV004687050.1).
Genomic context (GRCh38, chr18:33,744,209, plus strand): 5'-CTGAAAGCTTGGACAAAAATTCAGGGCCTCGAAACAGGGCAGATAATTCTGGAAAACCTC[A>C]GCAACCACCAGGGGGCTTTGCACCAGCAGCCATAAACCGATCAATTCCGTGTAAAGTCAT-3'
Protein context (NP_085135.1, residues 1444-1464): RNRADNSGKP[Gln1454Pro]QPPGGFAPAA